The following continues an entry in ClinVar:

NM_000059.4(BRCA2):c.956dup (p.Asn319fs)

Gene: BRCA2. ClinVar aggregate classification (germline): Pathogenic. Pathogenic (1).

Submissions 10 to 19 of 19:

Sema4
Classification: Pathogenic for Hereditary cancer-predisposing syndrome. Last evaluated: 2021-06-25. Review status: criteria provided, single submitter. Criteria: Sema4 Curation Guidelines. Collection method: curation. Allele origin: germline. Not counted in ClinVar's aggregate classification.
Comment: The BRCA2 c.956dupA (p.N319KfsX8 ) variant has been reported in heterozygosity in at least 4 individuals with breast and ovarian cancer (PMID: 12920083, 28724667, 30322717, 29907814). It is also known as c.951dupA and c.1179insA in the literature. This variant causes a frameshift at amino acid 319 that results in premature termination 8 amino acids downstream. At this location, this is predicted to cause nonsense-mediated decay and result in an absent protein (loss of function). Loss of function variants in BRCA2 are known to be pathogenic (PMID: 29446198). This variant was observed in 1/17046 chromosomes in the East Asian population, according to the Genome Aggregation Database (PMID: 32461654). This variant has been reported in ClinVar (Variation ID: 52870). Based on the current evidence available, this variant is interpreted as pathogenic.

Women's Health and Genetics/Laboratory Corporation of America, LabCorp
Classification: Pathogenic for Hereditary breast and ovarian cancer syndrome. Last evaluated: 2020-09-14. Review status: criteria provided, single submitter. Criteria: LabCorp Variant Classification Summary - May 2015. Collection method: clinical testing. Allele origin: germline. Not counted in ClinVar's aggregate classification.
Comment: Variant summary: BRCA2 c.956dupA (p.Asn319LysfsX8) results in a premature termination codon, predicted to cause a truncation of the encoded protein or absence of the protein due to nonsense mediated decay, which are commonly known mechanisms for disease. Truncations downstream of this position have been classified as pathogenic by our laboratory. The variant allele was found at a frequency of 8.7e-06 in 230430 control chromosomes. c.956dupA has been reported in the literature in multiple individuals affected with Hereditary Breast And Ovarian Cancer Syndrome (Ozcelik_2003, Lubinski_2004, Thirthagiri_2008, Mehta_2018). These data indicate that the variant is very likely to be associated with disease. Ten clinical diagnostic laboratories have submitted clinical-significance assessments for this variant to ClinVar after 2014 without evidence for independent evaluation. All laboratories classified the variant as pathogenic. Based on the evidence outlined above, the variant was classified as pathogenic.

Clinical Genetics and Genomics, Karolinska University Hospital
Classification: Pathogenic. Last evaluated: 2019-03-06. Review status: criteria provided, single submitter. Criteria: ACMG Guidelines, 2015. Collection method: clinical testing. Allele origin: germline. Affected: yes. Observed: 3 variant alleles. Not counted in ClinVar's aggregate classification.

Bioinformatics dept., Datar Cancer Genetics Limited, India
Classification: Pathogenic for Breast-ovarian cancer, familial, susceptibility to, 2. Last evaluated: 2017-06-01. Review status: criteria provided, single submitter. Criteria: ACMG Guidelines, 2015. Collection method: clinical testing. Allele origin: germline. Inheritance: Autosomal recessive inheritance. Affected: yes. Observed: 1 variant allele, 1 homozygote. Not counted in ClinVar's aggregate classification.

Laboratory for Molecular Medicine, Mass General Brigham Personalized Medicine
Classification: Pathogenic for Hereditary breast ovarian cancer syndrome. Last evaluated: 2017-02-27. Review status: criteria provided, single submitter. Criteria: LMM Criteria. Collection method: clinical testing. Allele origin: germline. Inheritance: Autosomal dominant inheritance. Observed: 1 variant allele. Not counted in ClinVar's aggregate classification.
Comment: It has also been identified in 1/8618 of East A sian chromosomes by the Exome Aggregation Consortium (ExAC; dbSNP rs80359770). This variant is predicted to cause a frameshift, which alters the protein?s amino acid sequence beginning at position 319 and lea ds to a premature termination codon 8 amino acids downstream. This alteration is then predicted to lead to a truncated or absent protein. Heterozygous loss of f unction of the BRCA2 gene is an established disease mechanism in breast cancer. In addition, this variant was classified as Pathogenic on Sept 8, 2016 by the Cl inGen-approved ENIGMA expert panel (ClinVar SCV000300375.2). In summary, this va riant meets criteria to be classified as pathogenic for breast cancer in an auto somal dominant manner based upon the predicted impact to the protein.

Quest Diagnostics Nichols Institute San Juan Capistrano
Classification: Pathogenic for Breast-ovarian cancer, familial, susceptibility to, 2. Last evaluated: 2016-02-11. Review status: criteria provided, single submitter. Criteria: Quest Diagnostics criteria. Collection method: clinical testing. Allele origin: germline. Inheritance: Autosomal dominant inheritance. Not counted in ClinVar's aggregate classification.

Consortium of Investigators of Modifiers of BRCA1/2 (CIMBA), c/o University of Cambridge
Classification: Pathogenic for Breast-ovarian cancer, familial, susceptibility to, 2. Last evaluated: 2015-10-02. Review status: criteria provided, single submitter. Criteria: CIMBA Mutation Classification guidelines May 2016. Collection method: clinical testing. Allele origin: germline. Not counted in ClinVar's aggregate classification.

Research Molecular Genetics Laboratory, Women's College Hospital, University of Toronto
Classification: Pathogenic for Hereditary breast ovarian cancer syndrome. Last evaluated: 2014-01-31. Review status: no assertion criteria provided. Collection method: research. Allele origin: germline. Affected: yes. Study: The Canadian Open Genetics Repository (COGR). Not counted in ClinVar's aggregate classification.

Sharing Clinical Reports Project (SCRP)
Classification: Pathogenic for Breast-ovarian cancer, familial 2. Last evaluated: 2012-10-24. Review status: no assertion criteria provided. Collection method: clinical testing. Allele origin: germline. Not counted in ClinVar's aggregate classification.

Breast Cancer Information Core (BIC) (BRCA2)
Classification: Pathogenic for Breast-ovarian cancer, familial 2. Last evaluated: 2000-06-12. Review status: no assertion criteria provided. Collection method: clinical testing. Allele origin: germline. Affected: yes. Observed: 4 variant alleles. Not counted in ClinVar's aggregate classification.

Literature cited by the submitters: PubMed 20104584 (cited by Labcorp Genetics (formerly Invitae), Labcorp); PubMed 12920083 (cited by 7 submitters); PubMed 28724667 (cited by 6 submitters); PubMed 15131399 (cited by 3 submitters); PubMed 18627636 (cited by 5 submitters); PubMed 30555256 (cited by 3 submitters); PubMed 33471991 (cited by All of Us Research Program, National Institutes of Health and Color Diagnostics, LLC DBA Color Health); PubMed 34680387 (cited by Color Diagnostics, LLC DBA Color Health); PubMed 30322717 (cited by Department of Pathology and Laboratory Medicine, Sinai Health System and Sema4); PubMed 29907814 (cited by Department of Pathology and Laboratory Medicine, Sinai Health System and Sema4); PubMed 29446198 (cited by Sema4); PubMed 23249957 (cited by Women's Health and Genetics/Laboratory Corporation of America, LabCorp); PubMed 26187060 (cited by Quest Diagnostics Nichols Institute San Juan Capistrano); PubMed 26295337 (cited by Quest Diagnostics Nichols Institute San Juan Capistrano).